The following is an entry in ClinVar:

ClinVar aggregate classification (germline): Uncertain significance. Review status: criteria provided, multiple submitters, no conflicts (2 of 4 stars). 2 submissions from 2 submitters: Uncertain significance (2). Last evaluated 2024-11-22.

Allele frequency attached by ClinVar (database versions not stated): ExAC 0.00001; gnomAD exomes 0.00001.
gnomAD v4.1: 9 of 1,614,146 alleles (0.00056%); highest among the groups gnomAD compares: Middle Eastern, 0.016%; no homozygotes.

Submissions (2):

Labcorp Genetics (formerly Invitae), Labcorp
Classification: Uncertain significance. Last evaluated: 2024-11-22. Review status: criteria provided, single submitter. Criteria: Invitae Variant Classification Sherloc (09022015). Collection method: clinical testing. Allele origin: germline.
Comment: This sequence change replaces serine, which is neutral and polar, with leucine, which is neutral and non-polar, at codon 1014 of the RNF31 protein (p.Ser1014Leu). This variant is present in population databases (rs752325711, gnomAD 0.003%). This variant has not been reported in the literature in individuals affected with RNF31-related conditions. ClinVar contains an entry for this variant (Variation ID: 2317064). An algorithm developed to predict the effect of missense changes on protein structure and function (PolyPhen-2) suggests that this variant is likely to be tolerated. In summary, the available evidence is currently insufficient to determine the role of this variant in disease. Therefore, it has been classified as a Variant of Uncertain Significance.

Ambry Genetics
Classification: Uncertain significance. Last evaluated: 2022-10-05. Review status: criteria provided, single submitter. Criteria: Ambry Variant Classification Scheme 2023. Collection method: clinical testing. Allele origin: germline.

NM_017999.5(RNF31):c.3041C>T (p.Ser1014Leu)

Gene: RNF31 (ring finger protein 31; plus strand). Cytogenetic location: 14q12.
Variant type: single nucleotide variant.
Coding change: c.3041C>T on transcript NM_017999.5 (MANE Select); coding-DNA position 3041, C replaced by T.
Protein change: p.Ser1014Leu; replaces serine 1014 with leucine.
Molecular consequence: missense variant.
Genome position (GRCh38, 1-based): chr14:24,160,283, C>T. VCF-style: chr14-24160283-C-T. GRCh37 (hg19) VCF-style: chr14-24629492-C-T.
Other names: c.2588C>T, p.Ser863Leu (NM_001310332.2); short protein forms S1014L, S863L.
Identifiers: ClinVar variation 2317064 (VCV002317064.5), dbSNP rs752325711, ClinGen allele CA7126255.